The following is an entry in ClinVar:

ClinVar aggregate classification (germline): Uncertain significance. Review status: criteria provided, multiple submitters, no conflicts (2 of 4 stars). 3 submissions from 3 submitters: Uncertain significance (3). Last evaluated 2025-03-19.

Conditions:
Cardiovascular phenotype. Identifiers: MedGen CN230736.
Cardiac arrhythmia. Also called: Arrhythmia; Cardiac rhythm disease. Identifiers: MedGen C0003811, MONDO:0007263, HP:0011675.
Long QT syndrome (LQTS). Identifiers: MedGen C0023976, MeSH D008133, MONDO:0002442. Disease mechanism: loss of function. Inheritance: Various modes of inheritance.

Submissions (3):

Ambry Genetics
Classification: Uncertain significance for Cardiovascular phenotype. Last evaluated: 2025-03-19. Review status: criteria provided, single submitter. Criteria: Ambry Variant Classification Scheme 2023. Collection method: clinical testing. Allele origin: germline.
Comment: The p.G149D variant (also known as c.446G>A), located in coding exon 3 of the KCNH2 gene, results from a G to A substitution at nucleotide position 446. The glycine at codon 149 is replaced by aspartic acid, an amino acid with similar properties. This amino acid position is not well conserved in available vertebrate species. In addition, this alteration is predicted to be tolerated by in silico analysis. Based on the available evidence, the clinical significance of this variant remains unclear.

Labcorp Genetics (formerly Invitae), Labcorp
Classification: Uncertain significance for Long QT syndrome. Last evaluated: 2024-04-24. Review status: criteria provided, single submitter. Criteria: Invitae Variant Classification Sherloc (09022015). Collection method: clinical testing. Allele origin: germline.
Comment: This sequence change replaces glycine, which is neutral and non-polar, with aspartic acid, which is acidic and polar, at codon 149 of the KCNH2 protein (p.Gly149Asp). This variant is not present in population databases (gnomAD no frequency). This variant has not been reported in the literature in individuals affected with KCNH2-related conditions. ClinVar contains an entry for this variant (Variation ID: 863779). An algorithm developed to predict the effect of missense changes on protein structure and function (PolyPhen-2) suggests that this variant is likely to be tolerated. In summary, the available evidence is currently insufficient to determine the role of this variant in disease. Therefore, it has been classified as a Variant of Uncertain Significance.

Color Diagnostics, LLC DBA Color Health
Classification: Uncertain significance for Cardiac arrhythmia. Last evaluated: 2022-02-02. Review status: criteria provided, single submitter. Criteria: ACMG Guidelines, 2015. Collection method: clinical testing. Allele origin: germline.
Comment: This missense variant replaces glycine with aspartic acid at codon 149 of the KCNH2 protein. Computational prediction suggests that this variant may not impact protein structure and function (internally defined REVEL score threshold <= 0.5, PMID: 27666373). To our knowledge, functional studies have not been reported for this variant. This variant has not been reported in individuals affected with cardiovascular disorders in the literature. This variant has not been identified in the general population by the Genome Aggregation Database (gnomAD). The available evidence is insufficient to determine the role of this variant in disease conclusively. Therefore, this variant is classified as a Variant of Uncertain Significance.

NM_000238.4(KCNH2):c.446G>A (p.Gly149Asp)

Gene: KCNH2 (potassium voltage-gated channel subfamily H member 2; minus strand). Cytogenetic location: 7q36.1.
Variant type: single nucleotide variant.
Coding change: c.446G>A on transcript NM_000238.4 (MANE Select); coding-DNA position 446, G replaced by A.
Protein change: p.Gly149Asp; replaces glycine 149 with aspartic acid.
Molecular consequence: missense variant.
Genome position (GRCh38, 1-based): chr7:150,959,598, C>T on the plus strand (G>A on the coding strand, the complement: KCNH2 is on the minus strand). VCF-style: chr7-150959598-C-T. GRCh37 (hg19) VCF-style: chr7-150656686-C-T.
Other names: c.158G>A, p.Gly53Asp (NM_001406753.1, NM_001406756.1); c.269G>A, p.Gly90Asp (NM_001406755.1); c.146G>A, p.Gly49Asp (NM_001406757.1); c.446G>A, p.Gly149Asp (NM_172056.3); short protein forms G149D, G49D, G53D, G90D.
Identifiers: ClinVar variation 863779 (VCV000863779.13), dbSNP rs199472865, ClinGen allele CA369863637.